The following is an entry in ClinVar:

ClinVar aggregate classification (germline): Pathogenic (1 of 4 stars; one submission).

Conditions:
Charcot-Marie-Tooth disease type 4. Also called: Charcot-Marie-Tooth disease, type IV; Charcot-Marie-Tooth, Type 4. Identifiers: Orphanet 64749, MedGen C4082197, MONDO:0018995.

Submission:

Labcorp Genetics (formerly Invitae), Labcorp
Classification: Pathogenic for Charcot-Marie-Tooth disease type 4. Last evaluated: 2022-07-17. Review status: criteria provided, single submitter. Criteria: Invitae Variant Classification Sherloc (09022015). Collection method: clinical testing. Allele origin: germline.
Comment: This variant disrupts a region of the FGD4 protein in which other variant(s) (p.Ala738Serfs*5) have been determined to be pathogenic (PMID: 31152969). This suggests that this is a clinically significant region of the protein, and that variants that disrupt it are likely to be disease-causing. For these reasons, this variant has been classified as Pathogenic. This sequence change creates a premature translational stop signal (p.Gln681Profs*18) in the FGD4 gene. While this is not anticipated to result in nonsense mediated decay, it is expected to disrupt the last 86 amino acid(s) of the FGD4 protein. This variant is not present in population databases (gnomAD no frequency). This variant has not been reported in the literature in individuals affected with FGD4-related conditions.

Literature cited by the submitters: PubMed 31152969.

NM_001370298.3(FGD4):c.2452dup (p.Gln818fs)

Gene: FGD4 (FYVE, RhoGEF and PH domain containing 4; plus strand). Cytogenetic location: 12p11.21.
Variant type: Duplication.
Coding change: c.2452dup on transcript NM_001370298.3 (MANE Select); coding-DNA position 2452, one base duplicated (C; older notation c.2452dupC).
Protein change: p.Gln818fs; shifts the reading frame from glutamine 818.
Molecular consequence: frameshift variant.
Genome position (GRCh38, 1-based): chr12:32,638,793, C duplicated; the last of 6 consecutive C bases (chr12:32,638,788-32,638,793); duplicating any one gives the same sequence. VCF-style (leftmost placement, unchanged base first): chr12-32638787-G-GC. GRCh37 (hg19) VCF-style: chr12-32791721-G-GC.
Other names: c.2296dup, p.Gln766Profs (NM_001304481.2); c.1297dup, p.Gln433fs (NM_001304483.2); c.1009dup, p.Gln337fs (NM_001304484.2); c.1762dup, p.Gln588fs (NM_001330373.2, NM_001330374.2, NM_001384130.1); c.1489dup, p.Gln497fs (NM_001370297.1); c.2452dup, p.Gln818fs (NM_001384126.1); c.2041dup, p.Gln681fs (NM_001384127.1, NM_001384128.1, NM_001385118.1 and 1 more transcripts); short protein forms Q433fs, Q588fs, Q681fs, Q818fs, Q766fs, Q337fs, Q497fs.
Identifiers: ClinVar variation 2001493 (VCV002001493.4), dbSNP rs1060501904, ClinGen allele CA2026262828.
Genomic context (GRCh38, chr12:32,638,787, plus strand): 5'-TGGCAGAAAGCTTGGTGTGTGATCCCCAAGCAAGACCCTCTTGTGCTGTACATGTATGGT[G>GC]CCCCCCAGGTATCTAAACCACATCTGTCTGAAGGGACAGATGCCCTTGGGGGCAAGGGGA-3'